The following is an entry in ClinVar:

ClinVar aggregate classification (germline): Likely benign. Review status: criteria provided, multiple submitters, no conflicts (2 of 4 stars). 2 submissions from 2 submitters: Likely benign (2). Last evaluated 2025-05-19.

Conditions:
Charcot-Marie-Tooth disease, type I (CMT1). Also called: Charcot-Marie-Tooth disease type 1; Charcot-Marie-Tooth, Type 1. Identifiers: Orphanet 65753, MedGen C0751036, MONDO:0019011.

Allele frequency attached by ClinVar (database versions not stated): TOPMed below 0.00001; gnomAD exomes 0.00001; ExAC 0.00002.
gnomAD v4.1: 10 of 1,614,004 alleles (0.00062%); highest among the groups gnomAD compares: South Asian, 0.0077%; no homozygotes.

Submissions (2):

Athena Diagnostics
Classification: Likely benign. Last evaluated: 2025-05-19. Review status: criteria provided, single submitter. Criteria: Athena Diagnostics Criteria. Collection method: clinical testing. Allele origin: unknown.
Comment: Computational tools yielded predictions that this variant is unlikely to have an effect on normal RNA splicing. This nucleotide position exhibits low evolutionary conservation.

Labcorp Genetics (formerly Invitae), Labcorp
Classification: Likely benign for Charcot-Marie-Tooth disease, type I. Last evaluated: 2023-01-19. Review status: criteria provided, single submitter. Criteria: Invitae Variant Classification Sherloc (09022015). Collection method: clinical testing. Allele origin: germline.

NM_000304.4(PMP22):c.246G>A (p.Leu82=)

Gene: PMP22 (peripheral myelin protein 22; minus strand). Cytogenetic location: 17p12.
Variant type: single nucleotide variant.
Coding change: c.246G>A on transcript NM_000304.4 (MANE Select); coding-DNA position 246, G replaced by A.
Protein change: p.Leu82=; no amino-acid change (leucine 82 retained).
Molecular consequence: synonymous variant. On other transcripts: non-coding transcript variant (2).
Genome position (GRCh38, 1-based): chr17:15,239,544, C>T on the plus strand (G>A on the coding strand, the complement: PMP22 is on the minus strand). VCF-style: chr17-15239544-C-T. GRCh37 (hg19) VCF-style: chr17-15142861-C-T.
Other names: c.246G>A, p.Leu82= (NM_001281455.2, NM_001281456.2, NM_001330143.2 and 2 more transcripts); c.246G>A (NM_000304.2).
Identifiers: ClinVar variation 1116436 (VCV001116436.8), dbSNP rs779700333, ClinGen allele CA8403376.